The following is an entry in ClinVar:

ClinVar aggregate classification (germline): Likely pathogenic (1 of 4 stars; one submission).

Submission:

Labcorp Genetics (formerly Invitae), Labcorp
Classification: Likely pathogenic. Last evaluated: 2022-05-05. Review status: criteria provided, single submitter. Criteria: Invitae Variant Classification Sherloc (09022015). Collection method: clinical testing. Allele origin: germline.
Comment: This variant is not present in population databases (gnomAD no frequency). In summary, the currently available evidence indicates that the variant is pathogenic, but additional data are needed to prove that conclusively. Therefore, this variant has been classified as Likely Pathogenic. Algorithms developed to predict the effect of sequence changes on RNA splicing suggest that this variant may disrupt the consensus splice site. This variant has not been reported in the literature in individuals affected with SLC12A6-related conditions. This sequence change affects an acceptor splice site in intron 2 of the SLC12A6 gene. It is expected to disrupt RNA splicing. Variants that disrupt the donor or acceptor splice site typically lead to a loss of protein function (PMID: 16199547), and loss-of-function variants in SLC12A6 are known to be pathogenic (PMID: 12368912, 16606917).

Literature cited by the submitters: PubMed 16199547; PubMed 12368912; PubMed 16606917.

NM_001365088.1(SLC12A6):c.317-1G>A

Gene: SLC12A6 (solute carrier family 12 member 6; minus strand). Cytogenetic location: 15q14.
Variant type: single nucleotide variant.
Coding change: c.317-1G>A on transcript NM_001365088.1 (MANE Select); the canonical splice acceptor site of the intron before coding-DNA position 317, G replaced by A.
Molecular consequence: splice acceptor variant.
Genome position (GRCh38, 1-based): chr15:34,261,021, C>T on the plus strand (G>A on the coding strand, the complement: SLC12A6 is on the minus strand). VCF-style: chr15-34261021-C-T. GRCh37 (hg19) VCF-style: chr15-34553222-C-T.
Other names: c.140-1G>A (NM_001042495.2, NM_001042494.2); c.290-1G>A (NM_001042496.2); c.272-1G>A (NM_001042497.2); c.317-1G>A (NM_133647.2); c.164-1G>A (NM_005135.2).
Identifiers: ClinVar variation 2134019 (VCV002134019.4), dbSNP rs2509847517, ClinGen allele CA391614890.
Genomic context (GRCh38, chr15:34,261,021, plus strand): 5'-CTCCTTCTTCATAATTGGAATTATTGAGATAAGCATTTCGAGCTTTCTTATGTCCGTCGT[C>T]TGGAAAAAAAAAAGTAGACCAAGTTAGTTTCTCACTGGTTTCTGACGAAGAAACATCAGC-3'